The following is an entry in ClinVar:

NM_000069.3(CACNA1S):c.2440G>C (p.Ala814Pro)

Gene: CACNA1S (calcium voltage-gated channel subunit alpha1 S; minus strand). Cytogenetic location: 1q32.1.
Variant type: single nucleotide variant.
Coding change: c.2440G>C on transcript NM_000069.3 (MANE Select); coding-DNA position 2440, G replaced by C.
Protein change: p.Ala814Pro; replaces alanine 814 with proline.
Molecular consequence: missense variant.
Genome position (GRCh38, 1-based): chr1:201,069,522, C>G on the plus strand (G>C on the coding strand, the complement: CACNA1S is on the minus strand). VCF-style: chr1-201069522-C-G. GRCh37 (hg19) VCF-style: chr1-201038650-C-G.
Other names: short protein forms A814P.
Identifiers: ClinVar variation 3073721 (VCV003073721.1), dbSNP rs139956524, ClinGen allele CA344107039.

ClinVar aggregate classification (germline): Uncertain significance (1 of 4 stars; one submission).

Conditions:
Malignant hyperthermia, susceptibility to, 5 (MHS5). Also called: CACNA1S-Related Malignant Hyperthermia Susceptibility. Identifiers: Orphanet 423, MedGen C1866077, MONDO:0011163, OMIM 601887.

gnomAD v4.1: 5 of 1,592,986 alleles (0.00031%); highest among the groups gnomAD compares: Non-Finnish European, 0.00034%; no homozygotes.

Submission:

All of Us Research Program, National Institutes of Health
Classification: Uncertain significance for Malignant hyperthermia, susceptibility to, 5. Last evaluated: 2023-10-06. Review status: criteria provided, single submitter. Criteria: ACMG Guidelines, 2015. Collection method: clinical testing. Allele origin: germline. Inheritance: Autosomal dominant inheritance. Observed: 1 variant allele, 1 heterozygote.
Comment: This missense variant replaces alanine with proline at codon 814 of the CACNA1S protein. Computational prediction is inconclusive regarding the impact of this variant on protein structure and function (internally defined REVEL score threshold 0.5 < inconclusive < 0.7, PMID: 27666373). To our knowledge, functional studies have not been reported for this variant. This variant has not been reported in individuals affected with CACNA1S-related disorders in the literature. This variant has not been identified in the general population by the Genome Aggregation Database (gnomAD). The available evidence is insufficient to determine the role of this variant in disease conclusively. Therefore, this variant is classified as a Variant of Uncertain Significance.

This study involves interpretation of variants in research participants for the purpose of population health screening. Participant phenotype was not available at the time of variant classification. Additional details can be found in publication PMID: 35346344, PMCID: PMC8962531